The following is an entry in ClinVar:

NM_000038.6(APC):c.7868C>A (p.Thr2623Lys)

Gene: APC (APC regulator of Wnt signaling pathway; plus strand). Cytogenetic location: 5q22.2.
Variant type: single nucleotide variant.
Coding change: c.7868C>A on transcript NM_000038.6 (MANE Select); coding-DNA position 7868, C replaced by A.
Protein change: p.Thr2623Lys; replaces threonine 2623 with lysine.
Molecular consequence: missense variant.
Genome position (GRCh38, 1-based): chr5:112,843,462, C>A. VCF-style: chr5-112843462-C-A. GRCh37 (hg19) VCF-style: chr5-112179159-C-A.
Other names: c.7868C>A, p.Thr2623Lys (NM_001127510.3, NM_001354895.2); c.7814C>A, p.Thr2605Lys (NM_001127511.3); c.7922C>A, p.Thr2641Lys (NM_001354896.2); c.7898C>A, p.Thr2633Lys (NM_001354897.2); c.7793C>A, p.Thr2598Lys (NM_001354898.2); c.7784C>A, p.Thr2595Lys (NM_001354899.2); c.7745C>A, p.Thr2582Lys (NM_001354900.2); c.7691C>A, p.Thr2564Lys (NM_001354901.2); and 5 more; short protein forms T2497K, T2522K, T2582K, T2595K, T2633K, T2463K, T2532K, T2564K.
Identifiers: ClinVar variation 1504411 (VCV001504411.8), dbSNP rs2149995200, ClinGen allele CA16038428.

ClinVar aggregate classification (germline): Uncertain significance (1 of 4 stars; one submission).

Conditions:
Familial adenomatous polyposis 1 (FAP1). Also called: FAMILIAL ADENOMATOUS POLYPOSIS 1, ATTENUATED; POLYPOSIS, ADENOMATOUS INTESTINAL. Identifiers: MedGen C2713442, MONDO:0021056, OMIM 175100. Disease mechanism: loss of function.

Submission:

Labcorp Genetics (formerly Invitae), Labcorp
Classification: Uncertain significance for Familial adenomatous polyposis 1. Last evaluated: 2021-07-10. Review status: criteria provided, single submitter. Criteria: Invitae Variant Classification Sherloc (09022015). Collection method: clinical testing. Allele origin: germline.
Comment: This variant is not present in population databases (ExAC no frequency). This sequence change replaces threonine with lysine at codon 2623 of the APC protein (p.Thr2623Lys). The threonine residue is moderately conserved and there is a moderate physicochemical difference between threonine and lysine. This variant has not been reported in the literature in individuals affected with APC-related conditions. Algorithms developed to predict the effect of missense changes on protein structure and function (SIFT, PolyPhen-2, Align-GVGD) all suggest that this variant is likely to be tolerated. In summary, the available evidence is currently insufficient to determine the role of this variant in disease. Therefore, it has been classified as a Variant of Uncertain Significance.